The following is an entry in ClinVar:

ClinVar aggregate classification (germline): Likely pathogenic (1 of 4 stars; one submission).

Conditions:
Autosomal recessive nonsyndromic hearing loss 30. Identifiers: Orphanet 90636, MedGen C1846784, MONDO:0011774, OMIM 607101.

Submission:

Variantyx, Inc.
Classification: Likely pathogenic for Autosomal recessive nonsyndromic hearing loss 30. Last evaluated: 2026-01-14. Review status: criteria provided, single submitter. Criteria: Variantyx Assertion Criteria 2022. Collection method: clinical testing. Allele origin: germline. Inheritance: Autosomal recessive inheritance.
Comment: This is a frameshift variant in the MYO3A gene (OMIM: 606808). Pathogenic variants in this gene have been associated with autosomal recessive deafness 30. This variant introduces a premature termination codon in exon 31 out of 35 and it is expected to result in loss of function, which is a known disease mechanism for MYO3A in this disorder (PMID:39858639, 38562617)(PVS1). This variant is absent from control populations (PM2) and it has not been reported in individuals with MYO3A-related disorders in the databases available for review. Based on the current evidence, this variant is classified as likely pathogenic for autosomal recessive deafness 30.

Literature cited by the submitters: PubMed 39858639; PubMed 38562617.

NM_017433.5(MYO3A):c.4342del (p.Glu1448fs)

Gene: MYO3A (myosin IIIA; plus strand). Cytogenetic location: 10p12.1.
Variant type: Deletion.
Coding change: c.4342del on transcript NM_017433.5 (MANE Select); coding-DNA position 4342, one base deleted (G; older notation c.4342delG).
Protein change: p.Glu1448fs; shifts the reading frame from glutamic acid 1448.
Molecular consequence: frameshift variant.
Genome position (GRCh38, 1-based): chr10:26,176,749, G deleted. VCF-style (leftmost placement, unchanged base first): chr10-26176748-TG-T. GRCh37 (hg19) VCF-style: chr10-26465677-TG-T.
Other names: short protein forms E1448fs.
Identifiers: ClinVar variation 4813796 (VCV004813796.1).